The following is an entry in ClinVar:

ClinVar aggregate classification (germline): Uncertain significance (1 of 4 stars; one submission).

Conditions:
Brugada syndrome. Also called: Sudden unexplained nocturnal death syndrome; Sudden Unexplained Death Syndrome; Sudden Unexplained Nocturnal Death Syndrome (SUNDS); Sudden unexpected nocturnal death syndrome. Identifiers: Orphanet 130, MedGen C1142166, MONDO:0015263.

Allele frequency attached by ClinVar (database versions not stated): ExAC 0.00003; gnomAD exomes 0.00003.
gnomAD v4.1: 16 of 1,613,464 alleles (0.00099%); highest among the groups gnomAD compares: East Asian, 0.036%; no homozygotes.

Submission:

Labcorp Genetics (formerly Invitae), Labcorp
Classification: Uncertain significance for Brugada syndrome. Last evaluated: 2022-06-18. Review status: criteria provided, single submitter. Criteria: Invitae Variant Classification Sherloc (09022015). Collection method: clinical testing. Allele origin: germline.
Comment: This sequence change replaces isoleucine, which is neutral and non-polar, with threonine, which is neutral and polar, at codon 1402 of the SCN10A protein (p.Ile1402Thr). This variant is present in population databases (rs761462940, gnomAD 0.04%). This variant has not been reported in the literature in individuals affected with SCN10A-related conditions. Advanced modeling of protein sequence and biophysical properties (such as structural, functional, and spatial information, amino acid conservation, physicochemical variation, residue mobility, and thermodynamic stability) performed at Invitae indicates that this missense variant is expected to disrupt SCN10A protein function. In summary, the available evidence is currently insufficient to determine the role of this variant in disease. Therefore, it has been classified as a Variant of Uncertain Significance.

NM_006514.4(SCN10A):c.4205T>C (p.Ile1402Thr)

Gene: SCN10A (sodium voltage-gated channel alpha subunit 10; minus strand). Cytogenetic location: 3p22.2.
Variant type: single nucleotide variant.
Coding change: c.4205T>C on transcript NM_006514.4 (MANE Select); coding-DNA position 4205, T replaced by C.
Protein change: p.Ile1402Thr; replaces isoleucine 1402 with threonine.
Molecular consequence: missense variant.
Genome position (GRCh38, 1-based): chr3:38,709,554, A>G on the plus strand (T>C on the coding strand, the complement: SCN10A is on the minus strand). VCF-style: chr3-38709554-A-G. GRCh37 (hg19) VCF-style: chr3-38751045-A-G.
Other names: c.4202T>C, p.Ile1401Thr (NM_001293306.2); c.3911T>C, p.Ile1304Thr (NM_001293307.2); short protein forms I1304T, I1401T, I1402T.
Identifiers: ClinVar variation 2082369 (VCV002082369.1), dbSNP rs761462940, ClinGen allele CA2319980.
Genomic context (GRCh38, chr3:38,709,554, plus strand): 5'-TTGAAGTTGTCAATTATGACCCCAACAAAGAGATTCAGTGTGAAGAAGCCTCCAAAAATG[A>G]TGAAGATGACAAAGTACAAATACATGTACACGTTGTCCTCCCACTTGGGTTGCATGTTGA-3'
Protein context (NP_006505.4, residues 1392-1412): VYMYLYFVIF[Ile1402Thr]IFGGFFTLNL